The following is an entry in ClinVar:

ClinVar aggregate classification (germline): Uncertain significance. Review status: criteria provided, multiple submitters, no conflicts (2 of 4 stars). 2 submissions from 2 submitters: Uncertain significance (2). Last evaluated 2024-12-17.

Conditions:
Ehlers-Danlos syndrome (EDS). Identifiers: Orphanet 98249, MedGen C0013720, MONDO:0020066.
Cardiovascular phenotype. Identifiers: MedGen CN230736.

Allele frequency attached by ClinVar (database versions not stated): gnomAD 0.00001; gnomAD exomes 0.00001; TOPMed 0.00001; ExAC 0.00008.
gnomAD v4.1: 4 of 1,544,776 alleles (0.00026%); highest among the groups gnomAD compares: African/African-American, 0.0027%; no homozygotes.

Submissions (2):

Ambry Genetics
Classification: Uncertain significance for Cardiovascular phenotype. Last evaluated: 2024-12-17. Review status: criteria provided, single submitter. Criteria: Ambry Variant Classification Scheme 2023. Collection method: clinical testing. Allele origin: germline.
Comment: The p.R3417W variant (also known as c.10249C>T), located in coding exon 2 of the ZNF469 gene, results from a C to T substitution at nucleotide position 10249. The arginine at codon 3417 is replaced by tryptophan, an amino acid with dissimilar properties. This amino acid position is conserved. In addition, this alteration is predicted to be tolerated by in silico analysis. Since supporting evidence is limited at this time, the clinical significance of this alteration remains unclear.

Genome Diagnostics Laboratory, The Hospital for Sick Children
Classification: Uncertain significance for Ehlers-Danlos syndrome. Last evaluated: 2021-12-08. Review status: criteria provided, single submitter. Criteria: ACMG Guidelines, 2015. Collection method: clinical testing. Allele origin: germline.

NM_001367624.2(ZNF469):c.10333C>T (p.Arg3445Trp)

Gene: ZNF469 (zinc finger protein 469; plus strand). Cytogenetic location: 16q24.2.
Variant type: single nucleotide variant.
Coding change: c.10333C>T on transcript NM_001367624.2 (MANE Select); coding-DNA position 10333, C replaced by T.
Protein change: p.Arg3445Trp; replaces arginine 3445 with tryptophan.
Molecular consequence: missense variant.
Genome position (GRCh38, 1-based): chr16:88,437,803, C>T. VCF-style: chr16-88437803-C-T. GRCh37 (hg19) VCF-style: chr16-88504211-C-T.
Other names: NM_001127464.2:c.10249C>T; NM_001127464.1:c.10249C>T; short protein forms R3445W.
Identifiers: ClinVar variation 1702368 (VCV001702368.6), dbSNP rs766994242, ClinGen allele CA8225506.